The following is an entry in ClinVar:

NM_001142800.2(EYS):c.8118G>A (p.Trp2706Ter)

Gene: EYS (EGF-like photoreceptor maintenance factor; minus strand). Cytogenetic location: 6q12.
Variant type: single nucleotide variant.
Coding change: c.8118G>A on transcript NM_001142800.2 (MANE Select); coding-DNA position 8118, G replaced by A.
Protein change: p.Trp2706Ter; replaces tryptophan 2706 with a stop codon.
Molecular consequence: nonsense.
Genome position (GRCh38, 1-based): chr6:63,726,634, C>T on the plus strand (G>A on the coding strand, the complement: EYS is on the minus strand). VCF-style: chr6-63726634-C-T. GRCh37 (hg19) VCF-style: chr6-64436527-C-T.
Other names: c.8181G>A, p.Trp2727Ter (NM_001292009.2); short protein forms W2706*, W2727*.
Identifiers: ClinVar variation 4536624 (VCV004536624.1).
Genomic context (GRCh38, chr6:63,726,634, plus strand): 5'-AGGCTGAAACTGCAATTGAATATGTGTCTTTTTTCGAACATGAAAGGAAGCAAAAGACAT[C>T]CAGGATAACTCATTGCTTCTGAAAGATGGATCACTTATGGATAAAGCTGAGGGAAGGAGA-3'

ClinVar aggregate classification (germline): Pathogenic (1 of 4 stars; one submission).

Conditions:
Retinitis pigmentosa 25 (RP25). Identifiers: Orphanet 791, MedGen C1864446, MONDO:0011272, OMIM 602772.

Submission:

Ophthalmology, Kobe City Eye Hospital
Classification: Pathogenic for Retinitis pigmentosa 25. Last evaluated: 2025-11-28. Review status: criteria provided, single submitter. Criteria: Fujinami et al. (Jpn J Ophthalmol. 2024). Collection method: research. Allele origin: germline. Affected: yes. Observed: 1 variant allele.
Comment: This variant was classified according to the ACMG/AMP guidelines. PVS1_VeryStrong: This null variant is predicted to result in loss of normal protein function, and loss of function is an established disease mechanism for EYS-associated retinitis pigmentosa. PMIDs: 18836446, 20333770. PM2_Moderate: This variant is absent or extremely rare in large population databases such as gnomAD, supporting rarity consistent with a recessive disorder. PP1_Supporting: The variant shows cosegregation with disease in multiple affected family members, providing additional supporting evidence for pathogenicity. Based on PVS1_VeryStrong, PM2_Moderate, PM3_Moderate, and PP1_Supporting, this variant is classified as pathogenic.

Literature cited by the submitters: 18836446, 20333770.